The following is an entry in ClinVar:

NM_005032.7(PLS3):c.1730_1731dup (p.Thr578Ter)

Gene: PLS3 (plastin 3; plus strand). Cytogenetic location: Xq23.
Variant type: Duplication.
Coding change: c.1730_1731dup on transcript NM_005032.7 (MANE Select); coding-DNA positions 1730 to 1731, 2 bases duplicated (TA; older notation c.1730_1731dupTA).
Protein change: p.Thr578Ter; replaces threonine 578 with a stop codon.
Molecular consequence: nonsense.
Genome position (GRCh38, 1-based): chrX:115,647,987-115,647,988, TA duplicated. VCF-style (leftmost placement, unchanged base first): chrX-115647986-C-CTA. GRCh37 (hg19) VCF-style: chrX-114882306-C-CTA.
Other names: c.1730_1731dup, p.Thr578Ter (NM_001136025.5, NM_001440791.1, NM_001440792.1); c.1649_1650dup, p.Thr551Ter (NM_001172335.3); c.1691_1692dup, p.Thr565Ter (NM_001282337.2); c.1595_1596dup, p.Thr533Ter (NM_001282338.2); short protein forms T533*, T551*, T565*, T578*.
Identifiers: ClinVar variation 4873536 (VCV004873536.2).
Genomic context (GRCh38, chrX:115,647,986, plus strand): 5'-GATTTAATTGATGCCATCCAGCCAGGCTGTATAAACTATGACCTTGTGAAGAGTGGCAAT[C>CTA]TAACAGAAGATGACAAGCACAATAATGCCAAGTAAGGGAGACTGCTAATAGTATGAAAAG-3'

ClinVar aggregate classification (germline): Likely pathogenic (1 of 4 stars; one submission).

Submission:

CeGaT Center for Human Genetics Tuebingen
Classification: Likely pathogenic. Last evaluated: 2026-04-01. Review status: criteria provided, single submitter. Criteria: CeGaT Center For Human Genetics Tuebingen Variant Classification Criteria Version 2. Collection method: clinical testing. Allele origin: germline. Affected: yes. Observed: 1 variant allele.
Comment: PLS3: PVS1:Strong, PM2, PP1, PS4:Supporting